The following is an entry in ClinVar:

ClinVar aggregate classification (germline): Pathogenic/Likely pathogenic. Review status: criteria provided, multiple submitters, no conflicts (2 of 4 stars). 2 submissions from 2 submitters: Pathogenic (1); Likely pathogenic (1). Last evaluated 2023-01-12.

Conditions:
Lynch syndrome 5 (LYNCH5). Also called: Colorectal cancer, hereditary nonpolyposis, type 5; Hereditary non-polyposis colorectal cancer, type 5. Identifiers: Orphanet 144, MedGen C1833477, MONDO:0013710, OMIM 614350. Disease mechanism: loss of function.

Submissions (2):

Myriad Genetics, Inc.
Classification: Pathogenic for Lynch syndrome 5. Last evaluated: 2023-01-12. Review status: criteria provided, single submitter. Criteria: Myriad Autosomal Dominant, Autosomal Recessive and X-Linked Classification Criteria (2023). Collection method: clinical testing. Allele origin: unknown.
Comment: This variant is considered pathogenic. This variant creates a frameshift predicted to result in premature protein truncation.

GeneDx
Classification: Likely pathogenic. Last evaluated: 2022-06-17. Review status: criteria provided, single submitter. Criteria: GeneDx Variant Classification Process June 2021. Collection method: clinical testing. Allele origin: germline. Affected: yes.
Comment: Frameshift variant predicted to result in protein truncation or nonsense mediated decay in a gene for which loss of function is a known mechanism of disease; Not observed at significant frequency in large population cohorts (gnomAD); Has not been previously published as pathogenic or benign to our knowledge

NM_000179.3(MSH6):c.2988del (p.Lys997fs)

Gene: MSH6 (mutS homolog 6; plus strand). Cytogenetic location: 2p16.3.
Variant type: Deletion.
Coding change: c.2988del on transcript NM_000179.3 (MANE Select); coding-DNA position 2988, one base deleted (G; older notation c.2988delG).
Protein change: p.Lys997fs; shifts the reading frame from lysine 997.
Molecular consequence: frameshift variant.
Genome position (GRCh38, 1-based): chr2:47,800,971, G deleted. VCF-style (leftmost placement, unchanged base first): chr2-47800970-TG-T. GRCh37 (hg19) VCF-style: chr2-48028109-TG-T.
Other names: c.2988delG, p.Lys997Asnfs (NM_000179.2, NM_001406796.1, NM_001406798.1 and 3 more transcripts); c.2598del, p.Lys867fs (NM_001281492.2); c.2082del, p.Lys695fs (NM_001281493.2, NM_001281494.2); c.3084delG, p.Lys1029Asnfs (NM_001406795.1, NM_001406802.1); c.2691delG, p.Lys898Asnfs (NM_001406797.1, NM_001406801.1, NM_001406805.1 and 10 more transcripts); c.2463delG, p.Lys822Asnfs (NM_001406799.1, NM_001406806.1, NM_001406807.1); c.2910delG, p.Lys971Asnfs (NM_001406804.1); c.2082delG, p.Lys695Asnfs (NM_001406811.1, NM_001406812.1, NM_001406814.1 and 4 more transcripts); and 3 more; short protein forms K695fs, K867fs, K997fs.
Identifiers: ClinVar variation 1804521 (VCV001804521.2), dbSNP rs2530706064, ClinGen allele CA2576961462.